The following is an entry in ClinVar:

ClinVar aggregate classification (germline): Benign/Likely benign. Review status: criteria provided, multiple submitters, no conflicts (2 of 4 stars). 3 submissions from 3 submitters: Benign (1); Likely benign (2). Last evaluated 2026-02-04.

Submissions (3):

Labcorp Genetics (formerly Invitae), Labcorp
Classification: Benign. Last evaluated: 2026-02-04. Review status: criteria provided, single submitter. Criteria: Invitae Variant Classification Sherloc (09022015). Collection method: clinical testing. Allele origin: germline.

Blueprint Genetics
Classification: Likely benign. Last evaluated: 2024-05-15. Review status: criteria provided, single submitter. Criteria: ACMG Guidelines, 2015. Collection method: clinical testing. Allele origin: germline.

GeneDx
Classification: Likely benign. Last evaluated: 2016-02-19. Review status: criteria provided, single submitter. Criteria: GeneDx Variant Classification (06012015). Collection method: clinical testing. Allele origin: germline. Affected: yes.
Comment: This variant is considered likely benign or benign based on one or more of the following criteria: it is a conservative change, it occurs at a poorly conserved position in the protein, it is predicted to be benign by multiple in silico algorithms, and/or has population frequency not consistent with disease.

NM_003640.5(ELP1):c.1644-15_1644-13del

Gene: ELP1 (elongator acetyltransferase complex subunit 1; minus strand). Cytogenetic location: 9q31.3.
Variant type: Deletion.
Coding change: c.1644-15_1644-13del on transcript NM_003640.5 (MANE Select); 15 bases into the intron before coding-DNA position 1644 through 13 bases into the intron before coding-DNA position 1644, 3 bases deleted (CCT; older notation c.1644-15_1644-13delCCT).
Molecular consequence: intron variant.
Genome position (GRCh38, 1-based): chr9:108,903,682-108,903,684, AGG deleted on the plus strand (CCT on the coding strand, the reverse complement: ELP1 is on the minus strand); deleting any 3 consecutive bases within chr9:108,903,682-108,903,686 gives the same sequence; the c. name uses the placement nearest the transcript's 3' end. VCF-style (leftmost placement, unchanged base first): chr9-108903681-AAGG-A. GRCh37 (hg19) VCF-style: chr9-111665961-AAGG-A.
Other names: c.1644-15_1644-13del (LRG_251t1); c.1302-15_1302-13del (NM_001318360.2); c.597-15_597-13del (NM_001330749.2); c.1644-15_1644-13delCCT (NM_003640.3).
Identifiers: ClinVar variation 420465 (VCV000420465.9), dbSNP rs753571092, ClinGen allele CA5174944.